The following is an entry in ClinVar:

ClinVar aggregate classification (germline): Uncertain significance. Review status: criteria provided, multiple submitters, no conflicts (2 of 4 stars). 2 submissions from 2 submitters: Uncertain significance (2). Last evaluated 2023-05-15.

Submissions (2):

Ambry Genetics
Classification: Uncertain significance. Last evaluated: 2023-05-15. Review status: criteria provided, single submitter. Criteria: Ambry Variant Classification Scheme 2023. Collection method: clinical testing. Allele origin: germline.
Comment: The p.S390L variant (also known as c.1169C>T), located in coding exon 9 of the RECQL gene, results from a C to T substitution at nucleotide position 1169. The serine at codon 390 is replaced by leucine, an amino acid with dissimilar properties. This amino acid position is conserved. In addition, the in silico prediction for this alteration is inconclusive. Since supporting evidence is limited at this time, the clinical significance of this alteration remains unclear.

Labcorp Genetics (formerly Invitae), Labcorp
Classification: Uncertain significance. Last evaluated: 2021-11-23. Review status: criteria provided, single submitter. Criteria: Invitae Variant Classification Sherloc (09022015). Collection method: clinical testing. Allele origin: germline.
Comment: This sequence change replaces serine, which is neutral and polar, with leucine, which is neutral and non-polar, at codon 390 of the RECQL protein (p.Ser390Leu). This variant is not present in population databases (gnomAD no frequency). This variant has not been reported in the literature in individuals affected with RECQL-related conditions. Algorithms developed to predict the effect of missense changes on protein structure and function (SIFT, PolyPhen-2, Align-GVGD) all suggest that this variant is likely to be disruptive. In summary, the available evidence is currently insufficient to determine the role of this variant in disease. Therefore, it has been classified as a Variant of Uncertain Significance.

NM_002907.4(RECQL):c.1169C>T (p.Ser390Leu)

Gene: RECQL (RecQ like helicase; minus strand). Cytogenetic location: 12p12.1.
Variant type: single nucleotide variant.
Coding change: c.1169C>T on transcript NM_002907.4 (MANE Select); coding-DNA position 1169, C replaced by T.
Protein change: p.Ser390Leu; replaces serine 390 with leucine.
Molecular consequence: missense variant.
Genome position (GRCh38, 1-based): chr12:21,475,515, G>A on the plus strand (C>T on the coding strand, the complement: RECQL is on the minus strand). VCF-style: chr12-21475515-G-A. GRCh37 (hg19) VCF-style: chr12-21628449-G-A.
Other names: c.1169C>T (NM_002907.3); c.1169C>T, p.Ser390Leu (NM_032941.3); short protein forms S390L.
Identifiers: ClinVar variation 2417540 (VCV002417540.9), dbSNP rs2540344625, ClinGen allele CA384119581.